The following is an entry in ClinVar:

ClinVar aggregate classification (germline): Likely benign. Review status: criteria provided, multiple submitters, no conflicts (2 of 4 stars). 2 submissions from 2 submitters: Likely benign (2). Last evaluated 2025-06-23.

Allele frequency attached by ClinVar (database versions not stated): gnomAD 0.00001 and 0.00002; gnomAD exomes 0.00002; TOPMed 0.00002.
gnomAD v4.1: 28 of 1,614,086 alleles (0.0017%); highest among the groups gnomAD compares: Middle Eastern, 0.016%; no homozygotes.

Submissions (2):

Labcorp Genetics (formerly Invitae), Labcorp
Classification: Likely benign. Last evaluated: 2025-06-23. Review status: criteria provided, single submitter. Criteria: Invitae Variant Classification Sherloc (09022015). Collection method: clinical testing. Allele origin: germline.

CeGaT Center for Human Genetics Tuebingen
Classification: Likely benign. Last evaluated: 2023-03-01. Review status: criteria provided, single submitter. Criteria: CeGaT Center For Human Genetics Tuebingen Variant Classification Criteria Version 2. Collection method: clinical testing. Allele origin: germline. Affected: yes. Observed: 1 variant allele.
Comment: KMT2A: BP4, BP7

NM_001197104.2(KMT2A):c.9177G>A (p.Pro3059=)

Gene: KMT2A (lysine methyltransferase 2A; plus strand). Cytogenetic location: 11q23.3.
Variant type: single nucleotide variant.
Coding change: c.9177G>A on transcript NM_001197104.2 (MANE Select); coding-DNA position 9177, G replaced by A.
Protein change: p.Pro3059=; no amino-acid change (proline 3059 retained).
Molecular consequence: synonymous variant.
Genome position (GRCh38, 1-based): chr11:118,505,069, G>A. VCF-style: chr11-118505069-G-A. GRCh37 (hg19) VCF-style: chr11-118375784-G-A.
Other names: c.9168G>A, p.Pro3056= (NM_005933.4).
Identifiers: ClinVar variation 1545644 (VCV001545644.31), dbSNP rs1054482036, ClinGen allele CA229529349.